The following is an entry in ClinVar:

ClinVar aggregate classification (germline): Uncertain significance (1 of 4 stars; one submission).

Conditions:
Noonan syndrome (NS). Also called: Noonan's syndrome. Identifiers: Orphanet 648, MedGen C0028326, MeSH D009634, MONDO:0018997. Disease mechanism: gain of function.

Submission:

Labcorp Genetics (formerly Invitae), Labcorp
Classification: Uncertain significance for Noonan syndrome. Last evaluated: 2021-09-17. Review status: criteria provided, single submitter. Criteria: Invitae Variant Classification Sherloc (09022015). Collection method: clinical testing. Allele origin: germline.
Comment: In summary, the available evidence is currently insufficient to determine the role of this variant in disease. Therefore, it has been classified as a Variant of Uncertain Significance. Algorithms developed to predict the effect of missense changes on protein structure and function are either unavailable or do not agree on the potential impact of this missense change (SIFT: "Tolerated"; PolyPhen-2: "Probably Damaging"; Align-GVGD: "Class C0"). This variant has not been reported in the literature in individuals affected with RRAS-related conditions. This variant is not present in population databases (ExAC no frequency). This sequence change replaces valine with alanine at codon 187 of the RRAS protein (p.Val187Ala). The valine residue is highly conserved and there is a small physicochemical difference between valine and alanine.

NM_006270.5(RRAS):c.560T>C (p.Val187Ala)

Gene: RRAS (RAS related; minus strand). Cytogenetic location: 19q13.33.
Variant type: single nucleotide variant.
Coding change: c.560T>C on transcript NM_006270.5 (MANE Select); coding-DNA position 560, T replaced by C.
Protein change: p.Val187Ala; replaces valine 187 with alanine.
Molecular consequence: missense variant.
Genome position (GRCh38, 1-based): chr19:49,635,746, A>G on the plus strand (T>C on the coding strand, the complement: RRAS is on the minus strand). VCF-style: chr19-49635746-A-G. GRCh37 (hg19) VCF-style: chr19-50139003-A-G.
Other names: short protein forms V187A.
Identifiers: ClinVar variation 1380320 (VCV001380320.6), dbSNP rs1599813084, ClinGen allele CA406845609.